The following is an entry in ClinVar:

ClinVar aggregate classification (germline): Uncertain significance (1 of 4 stars; one submission).

gnomAD v4.1: 2 of 1,614,146 alleles (0.00012%); highest among the groups gnomAD compares: East Asian, 0.0045%; no homozygotes.

Submission:

Labcorp Genetics (formerly Invitae), Labcorp
Classification: Uncertain significance. Last evaluated: 2024-10-03. Review status: criteria provided, single submitter. Criteria: Invitae Variant Classification Sherloc (09022015). Collection method: clinical testing. Allele origin: germline.
Comment: This sequence change falls in intron 4 of the TGFB1 gene. It does not directly change the encoded amino acid sequence of the TGFB1 protein. It affects a nucleotide within the consensus splice site. This variant is present in population databases (rs530534755, gnomAD 0.006%). This variant has not been reported in the literature in individuals affected with TGFB1-related conditions. Variants that disrupt the consensus splice site are a relatively common cause of aberrant splicing (PMID: 17576681, 9536098). Algorithms developed to predict the effect of sequence changes on RNA splicing suggest that this variant may disrupt the consensus splice site. In summary, the available evidence is currently insufficient to determine the role of this variant in disease. Therefore, it has been classified as a Variant of Uncertain Significance.

Literature cited by the submitters: PubMed 17576681; PubMed 9536098.

NM_000660.7(TGFB1):c.713-3C>G

Gene: TGFB1 (transforming growth factor beta 1; minus strand). Cytogenetic location: 19q13.2.
Variant type: single nucleotide variant.
Coding change: c.713-3C>G on transcript NM_000660.7 (MANE Select); 3 bases into the intron before coding-DNA position 713, C replaced by G.
Molecular consequence: intron variant.
Genome position (GRCh38, 1-based): chr19:41,342,033, G>C on the plus strand (C>G on the coding strand, the complement: TGFB1 is on the minus strand). VCF-style: chr19-41342033-G-C. GRCh37 (hg19) VCF-style: chr19-41847938-G-C.
Identifiers: ClinVar variation 3618180 (VCV003618180.2).